The following is an entry in ClinVar:

NM_001276270.2(MBD4):c.1225A>G (p.Ser409Gly)

Gene: MBD4 (methyl-CpG binding domain 4, DNA glycosylase; minus strand). Cytogenetic location: 3q21.3.
Variant type: single nucleotide variant.
Coding change: c.1225A>G on transcript NM_001276270.2 (MANE Select); coding-DNA position 1225, A replaced by G.
Protein change: p.Ser409Gly; replaces serine 409 with glycine.
Molecular consequence: missense variant.
Genome position (GRCh38, 1-based): chr3:129,434,095, T>C on the plus strand (A>G on the coding strand, the complement: MBD4 is on the minus strand). VCF-style: chr3-129434095-T-C. GRCh37 (hg19) VCF-style: chr3-129152938-T-C.
Other names: c.1243A>G, p.Ser415Gly (NM_001276271.2, NM_001276272.2, NM_003925.3); c.289A>G, p.Ser97Gly (NM_001276273.2); short protein forms S415G, S97G, S409G.
Identifiers: ClinVar variation 2708875 (VCV002708875.3), dbSNP rs2530706256, ClinGen allele CA354466221.

ClinVar aggregate classification (germline): Uncertain significance (1 of 4 stars; one submission).

Submission:

Labcorp Genetics (formerly Invitae), Labcorp
Classification: Uncertain significance. Last evaluated: 2024-02-05. Review status: criteria provided, single submitter. Criteria: Invitae Variant Classification Sherloc (09022015). Collection method: clinical testing. Allele origin: germline.
Comment: This sequence change replaces serine, which is neutral and polar, with glycine, which is neutral and non-polar, at codon 415 of the MBD4 protein (p.Ser415Gly). This variant is not present in population databases (gnomAD no frequency). This variant has not been reported in the literature in individuals affected with MBD4-related conditions. An algorithm developed to predict the effect of missense changes on protein structure and function (PolyPhen-2) suggests that this variant is likely to be disruptive. In summary, the available evidence is currently insufficient to determine the role of this variant in disease. Therefore, it has been classified as a Variant of Uncertain Significance.